The following is an entry in ClinVar:

ClinVar aggregate classification (germline): Conflicting classifications of pathogenicity. Review status: criteria provided, conflicting classifications (1 of 4 stars). 4 submissions from 4 submitters: Pathogenic (2); Uncertain significance (1). 1 of the submissions does not count toward it. Last evaluated 2023-10-30.

Conditions:
Autosomal dominant Alport syndrome (ATS3A). Also called: ALPORT SYNDROME 3A, AUTOSOMAL DOMINANT; Alport syndrome dominant type; Renal failure and sensorineural hearing loss. Identifiers: Orphanet 63, Orphanet 88918, MedGen C5882663, MONDO:0007086, OMIM 104200.
Autosomal recessive Alport syndrome (ATS2). Also called: COL4A4 Alport Syndrome and Thin Basement Membrane Nephropathy; ALPORT SYNDROME 2, AUTOSOMAL RECESSIVE; COL4A3-Related Nephropathy; Alport syndrome type 2. Identifiers: Orphanet 63, Orphanet 88919, MedGen C4746745, MONDO:0008762, OMIM 203780.

Submissions (4):

GeneDx
Classification: Pathogenic. Last evaluated: 2023-10-30. Review status: criteria provided, single submitter. Criteria: GeneDx Variant Classification Process June 2021. Collection method: clinical testing. Allele origin: germline. Affected: yes.
Comment: Affects a glycine residue in a Gly-X-Y motif in the triple helical region of the COL4A3 gene, where the majority of pathogenic missense variants occur, and is predicted to disrupt normal protein folding and function (HGMD; PMID: 10752524); Not observed at significant frequency in large population cohorts (gnomAD); In silico analysis supports that this missense variant has a deleterious effect on protein structure/function; This variant is associated with the following publications: (PMID: 32359821, 10752524, 31831576)

Labcorp Genetics (formerly Invitae), Labcorp
Classification: Uncertain significance. Last evaluated: 2021-09-01. Review status: criteria provided, single submitter. Criteria: Invitae Variant Classification Sherloc (09022015). Collection method: clinical testing. Allele origin: germline.
Comment: This sequence change replaces glycine with arginine at codon 611 of the COL4A3 protein (p.Gly611Arg). The glycine residue is highly conserved and there is a moderate physicochemical difference between glycine and arginine. This variant is not present in population databases (ExAC no frequency). This variant has not been reported in the literature in individuals affected with COL4A3-related conditions. ClinVar contains an entry for this variant (Variation ID: 807567). Advanced modeling of protein sequence and biophysical properties (such as structural, functional, and spatial information, amino acid conservation, physicochemical variation, residue mobility, and thermodynamic stability) performed at Invitae indicates that this missense variant is expected to disrupt COL4A3 protein function. In summary, the available evidence is currently insufficient to determine the role of this variant in disease. Therefore, it has been classified as a Variant of Uncertain Significance.

Institute of Human Genetics Munich, TUM University Hospital
Classification: Pathogenic for Autosomal recessive Alport syndrome. Last evaluated: 2018-11-16. Review status: criteria provided, single submitter. Criteria: Classification criteria August 2017. Collection method: clinical testing. Allele origin: paternal. Inheritance: Autosomal recessive inheritance. Affected: yes. Observed: 1 compound heterozygote.

Bioscientia Institut fuer Medizinische Diagnostik GmbH, Sonic Healthcare
Classification: Likely pathogenic for Autosomal dominant Alport syndrome. Last evaluated: 2019-11-17. Review status: no assertion criteria provided. Collection method: clinical testing. Allele origin: germline. Affected: yes. Not counted in ClinVar's aggregate classification.

NM_000091.5(COL4A3):c.1831G>A (p.Gly611Arg)

Genes: MFF-DT (MFF divergent transcript; minus strand), COL4A3 (collagen type IV alpha 3 chain; plus strand). Cytogenetic location: 2q36.3.
Variant type: single nucleotide variant.
Coding change: c.1831G>A on transcript NM_000091.5 (MANE Select); coding-DNA position 1831, G replaced by A.
Protein change: p.Gly611Arg; replaces glycine 611 with arginine.
Molecular consequence: missense variant.
Genome position (GRCh38, 1-based): chr2:227,273,021, G>A. VCF-style: chr2-227273021-G-A. GRCh37 (hg19) VCF-style: chr2-228137737-G-A.
Other names: short protein forms G611R.
Identifiers: ClinVar variation 807567 (VCV000807567.11), dbSNP rs1574753929, ClinGen allele CA350844879.